The following is an entry in ClinVar:

ClinVar aggregate classification (germline): Uncertain significance (1 of 4 stars; one submission).

Conditions:
3-Methylglutaconic aciduria type 3 (MGCA3). Also called: OPA3, AUTOSOMAL RECESSIVE; OPTIC ATROPHY 3, AUTOSOMAL RECESSIVE; Costeff Syndrome; OPA3-Related 3-Methylglutaconic Aciduria. Identifiers: Orphanet 67047, MedGen C0574084, MONDO:0009787, OMIM 258501.
Optic atrophy 3 (OPA3). Also called: OPTIC ATROPHY 3, AUTOSOMAL DOMINANT; Optic atrophy 3 with cataract; Optic atrophy, cataract, and neurologic disorder. Identifiers: Orphanet 67036, MedGen C1833809, MONDO:0008133, OMIM 165300.

Allele frequency attached by ClinVar (database versions not stated): TOPMed below 0.00001.

Submission:

Labcorp Genetics (formerly Invitae), Labcorp
Classification: Uncertain significance for 3-Methylglutaconic aciduria type 3; Optic atrophy 3. Last evaluated: 2022-06-13. Review status: criteria provided, single submitter. Criteria: Invitae Variant Classification Sherloc (09022015). Collection method: clinical testing. Allele origin: germline.
Comment: This variant has not been reported in the literature in individuals affected with OPA3-related conditions. This variant is not present in population databases (gnomAD no frequency). This sequence change replaces arginine, which is basic and polar, with leucine, which is neutral and non-polar, at codon 26 of the OPA3 protein (p.Arg26Leu). In summary, the available evidence is currently insufficient to determine the role of this variant in disease. Therefore, it has been classified as a Variant of Uncertain Significance. Algorithms developed to predict the effect of missense changes on protein structure and function are either unavailable or do not agree on the potential impact of this missense change (SIFT: "Tolerated"; PolyPhen-2: "Possibly Damaging"; Align-GVGD: "Class C0"). ClinVar contains an entry for this variant (Variation ID: 1023276).

NM_025136.4(OPA3):c.77G>T (p.Arg26Leu)

Genes: OPA3 (outer mitochondrial membrane lipid metabolism regulator OPA3; minus strand), OPA3-RTN2 (OPA3-RTN2 readthrough; minus strand), LOC130064709 (ATAC-STARR-seq lymphoblastoid active region 14802; plus strand). Cytogenetic location: 19q13.32.
Variant type: single nucleotide variant.
Coding change: c.77G>T on transcript NM_025136.4 (MANE Select); coding-DNA position 77, G replaced by T.
Protein change: p.Arg26Leu; replaces arginine 26 with leucine.
Molecular consequence: missense variant.
Genome position (GRCh38, 1-based): chr19:45,584,688, C>A on the plus strand (G>T on the coding strand, the complement: OPA3 is on the minus strand). VCF-style: chr19-45584688-C-A. GRCh37 (hg19) VCF-style: chr19-46087946-C-A.
Other names: c.77G>T, p.Arg26Leu (NM_001017989.3); short protein forms R26L.
Identifiers: ClinVar variation 1023276 (VCV001023276.9), dbSNP rs1302916174, ClinGen allele CA406378558.